The following is an entry in ClinVar:

NM_006767.4(LZTR1):c.337A>T (p.Thr113Ser)

Gene: LZTR1 (leucine zipper like post translational regulator 1; plus strand). Cytogenetic location: 22q11.21.
Variant type: single nucleotide variant.
Coding change: c.337A>T on transcript NM_006767.4 (MANE Select); coding-DNA position 337, A replaced by T.
Protein change: p.Thr113Ser; replaces threonine 113 with serine.
Molecular consequence: missense variant.
Genome position (GRCh38, 1-based): chr22:20,987,520, A>T. VCF-style: chr22-20987520-A-T. GRCh37 (hg19) VCF-style: chr22-21341809-A-T.
Other names: short protein forms T113S.
Identifiers: ClinVar variation 2447719 (VCV002447719.3), dbSNP rs1377855691, ClinGen allele CA410779271.

ClinVar aggregate classification (germline): Uncertain significance (1 of 4 stars; one submission).

Conditions:
Cardiovascular phenotype. Identifiers: MedGen CN230736.
Hereditary cancer-predisposing syndrome. Also called: Neoplastic Syndromes, Hereditary; Hereditary Cancer Syndrome; Tumor predisposition; Hereditary neoplastic syndrome. Identifiers: Orphanet 140162, MedGen C0027672, MeSH D009386, MONDO:0015356.

Submission:

Ambry Genetics
Classification: Uncertain significance for Cardiovascular phenotype; Hereditary cancer-predisposing syndrome. Last evaluated: 2025-11-21. Review status: criteria provided, single submitter. Criteria: Ambry Variant Classification Scheme 2023. Collection method: clinical testing. Allele origin: germline.
Comment: The p.T113S variant (also known as c.337A>T), located in coding exon 4 of the LZTR1 gene, results from an A to T substitution at nucleotide position 337. The threonine at codon 113 is replaced by serine, an amino acid with similar properties. This amino acid position is conserved. In addition, this alteration is predicted to be tolerated by in silico analysis. Since supporting evidence is limited at this time, the clinical significance of this alteration remains unclear.